The following is an entry in ClinVar:

NM_001386298.1(CIC):c.2928C>T (p.Ala976=)

Gene: CIC (capicua transcriptional repressor; plus strand). Cytogenetic location: 19q13.2.
Variant type: single nucleotide variant.
Coding change: c.2928C>T on transcript NM_001386298.1 (MANE Select); coding-DNA position 2928, C replaced by T.
Protein change: p.Ala976=; no amino-acid change (alanine 976 retained).
Molecular consequence: synonymous variant.
Genome position (GRCh38, 1-based): chr19:42,286,904, C>T. VCF-style: chr19-42286904-C-T. GRCh37 (hg19) VCF-style: chr19-42791056-C-T.
Other names: c.2928C>T, p.Ala976= (NM_001304815.2, NM_001379480.1, NM_001379482.1 and 1 more transcripts); c.201C>T, p.Ala67= (NM_001379484.1, NM_001379485.1, NM_015125.5).
Identifiers: ClinVar variation 2649976 (VCV002649976.25), dbSNP rs375854460, ClinGen allele CA9471641.

ClinVar aggregate classification (germline): Likely benign. Review status: criteria provided, multiple submitters, no conflicts (2 of 4 stars). 2 submissions from 2 submitters: Likely benign (2). Last evaluated 2024-10-09.

Allele frequency attached by ClinVar (database versions not stated): gnomAD exomes 0.00005; ExAC 0.00007; ESP Exome Variant Server 0.00008; TOPMed 0.00014; gnomAD 0.00015.

Submissions (2):

Blueprint Genetics
Classification: Likely benign. Last evaluated: 2024-10-09. Review status: criteria provided, single submitter. Criteria: ACMG Guidelines, 2015. Collection method: clinical testing. Allele origin: germline.

CeGaT Center for Human Genetics Tuebingen
Classification: Likely benign. Last evaluated: 2022-05-01. Review status: criteria provided, single submitter. Criteria: CeGaT Center For Human Genetics Tuebingen Variant Classification Criteria Version 2. Collection method: clinical testing. Allele origin: germline. Affected: yes. Observed: 1 variant allele.
Comment: CIC: BP4, BP7